The following is an entry in ClinVar:

NM_001081.4(CUBN):c.5856del (p.Lys1954fs)

Gene: CUBN (cubilin; minus strand). Cytogenetic location: 10p13.
Variant type: Deletion.
Coding change: c.5856del on transcript NM_001081.4 (MANE Select); coding-DNA position 5856, one base deleted (A; older notation c.5856delA).
Protein change: p.Lys1954fs; shifts the reading frame from lysine 1954.
Molecular consequence: frameshift variant.
Genome position (GRCh38, 1-based): chr10:16,937,662, T deleted on the plus strand (A on the coding strand, the reverse complement: CUBN is on the minus strand). VCF-style (leftmost placement, unchanged base first): chr10-16937661-CT-C. GRCh37 (hg19) VCF-style: chr10-16979660-CT-C.
Other names: short protein forms K1954fs.
Identifiers: ClinVar variation 2721529 (VCV002721529.3), dbSNP rs2491529211, ClinGen allele CA2697558282.
Genomic context (GRCh38, chr10:16,937,661, plus strand): 5'-TGGTAGGTAAAACACCATCAGGTGCATCCACTGCAAACCACTCCAGAAGGAATCCCTTCC[CT>C]GAGATTGAAGAGTCGGAGTAAAAATGAAATGTCAAAGAATTTCCAGTGGAGCTGAAAGAT-3'

ClinVar aggregate classification (germline): Pathogenic (1 of 4 stars; one submission).

Conditions:
Imerslund-Grasbeck syndrome. Also called: Megaloblastic anemia due to inborn errors of metabolism; PERNICIOUS ANEMIA, JUVENILE, DUE TO SELECTIVE INTESTINAL MALABSORPTION OF VITAMIN B12, WITH PROTEINURIA; ENTEROCYTE COBALAMIN MALABSORPTION; ENTEROCYTE INTRINSIC FACTOR RECEPTOR, DEFECT OF; Imerslund-Gräsbeck syndrome. Identifiers: Orphanet 35858, MedGen C4551825, MONDO:0009853.

Submission:

Labcorp Genetics (formerly Invitae), Labcorp
Classification: Pathogenic for Imerslund-Grasbeck syndrome. Last evaluated: 2023-11-27. Review status: criteria provided, single submitter. Criteria: Invitae Variant Classification Sherloc (09022015). Collection method: clinical testing. Allele origin: germline.
Comment: This sequence change creates a premature translational stop signal (p.Lys1954Argfs*29) in the CUBN gene. It is expected to result in an absent or disrupted protein product. Loss-of-function variants in CUBN are known to be pathogenic (PMID: 15024727, 22929189, 25349199, 31613795, 34979989). This variant is not present in population databases (gnomAD no frequency). This variant has not been reported in the literature in individuals affected with CUBN-related conditions. For these reasons, this variant has been classified as Pathogenic.

Literature cited by the submitters: PubMed 15024727; PubMed 22929189; PubMed 25349199; PubMed 31613795; PubMed 34979989.